The following is an entry in ClinVar:

ClinVar aggregate classification (germline): Uncertain significance (1 of 4 stars; one submission).

Conditions:
Holoprosencephaly 3 (HPE3). Identifiers: Orphanet 2162, MedGen C1840529, MONDO:0007733, OMIM 142945.

Allele frequency attached by ClinVar (database versions not stated): gnomAD exomes below 0.00001.
gnomAD v4.1: 1 of 1,585,858 alleles (0.000063%); highest among the groups gnomAD compares: Non-Finnish European, 0.000085%; no homozygotes.

Submission:

Labcorp Genetics (formerly Invitae), Labcorp
Classification: Uncertain significance for Holoprosencephaly 3. Last evaluated: 2023-03-26. Review status: criteria provided, single submitter. Criteria: Invitae Variant Classification Sherloc (09022015). Collection method: clinical testing. Allele origin: germline.
Comment: In summary, the available evidence is currently insufficient to determine the role of this variant in disease. Therefore, it has been classified as a Variant of Uncertain Significance. Advanced modeling of protein sequence and biophysical properties (such as structural, functional, and spatial information, amino acid conservation, physicochemical variation, residue mobility, and thermodynamic stability) performed at Invitae indicates that this missense variant is expected to disrupt SHH protein function. This variant has not been reported in the literature in individuals affected with SHH-related conditions. This variant is not present in population databases (gnomAD no frequency). This sequence change replaces threonine, which is neutral and polar, with methionine, which is neutral and non-polar, at codon 257 of the SHH protein (p.Thr257Met).

NM_000193.4(SHH):c.770C>T (p.Thr257Met)

Gene: SHH (sonic hedgehog signaling molecule; minus strand). Cytogenetic location: 7q36.3.
Variant type: single nucleotide variant.
Coding change: c.770C>T on transcript NM_000193.4 (MANE Select); coding-DNA position 770, C replaced by T.
Protein change: p.Thr257Met; replaces threonine 257 with methionine.
Molecular consequence: missense variant. On other transcripts: intron variant (1).
Genome position (GRCh38, 1-based): chr7:155,803,519, G>A on the plus strand (C>T on the coding strand, the complement: SHH is on the minus strand). VCF-style: chr7-155803519-G-A. GRCh37 (hg19) VCF-style: chr7-155596213-G-A.
Other names: c.301+2777C>T (NM_001310462.2); short protein forms T257M.
Identifiers: ClinVar variation 2849865 (VCV002849865.3), dbSNP rs2535894113, ClinGen allele CA370146098.